The following is an entry in ClinVar:

ClinVar aggregate classification (germline): Likely benign (1 of 4 stars; one submission).

Submission:

CeGaT Center for Human Genetics Tuebingen
Classification: Likely benign. Last evaluated: 2026-03-01. Review status: criteria provided, single submitter. Criteria: CeGaT Center For Human Genetics Tuebingen Variant Classification Criteria Version 2. Collection method: clinical testing. Allele origin: germline. Affected: yes. Observed: 3 variant alleles.
Comment: GNAS: BS1

NM_000516.7(GNAS):c.-23_-14del

Gene: GNAS (GNAS complex locus; plus strand). Cytogenetic location: 20q13.32.
Variant type: Deletion.
Coding change: c.-23_-14del on transcript NM_000516.7 (MANE Select); 23 bases upstream of the start codon through 14 bases upstream of the start codon, 10 bases deleted (GCCCCGCCGC; older notation c.-23_-14delGCCCCGCCGC).
Molecular consequence: 5 prime UTR variant. On other transcripts: intron variant (8).
Genome position (GRCh38, 1-based): chr20:58,891,704-58,891,713, GCCCCGCCGC deleted; deleting any 10 consecutive bases within chr20:58,891,699-58,891,713 gives the same sequence; the c. name uses the placement nearest the transcript's 3' end. VCF-style (leftmost placement, unchanged base first): chr20-58891698-GGCCGCGCCCC-G. GRCh37 (hg19) VCF-style: chr20-57466753-GGCCGCGCCCC-G.
Other names: c.-23_-14del (NM_001077488.5, NM_001077489.4, NM_001309842.2 and 1 more transcripts); c.*43-3908_*43-3899del (NM_016592.5); c.44-3908_44-3899del (NM_001410912.1); c.-38-3908_-38-3899del (NM_001309861.2); c.*1-3908_*1-3899del (NM_001077490.3); c.2069-3908_2069-3899del (NM_080425.4, NM_001410913.1); c.*159-3908_*159-3899del (NM_001309883.1); c.-39+2351_-39+2360del (NM_001309840.2).
Identifiers: ClinVar variation 2652448 (VCV002652448.24), dbSNP rs771002744, ClinGen allele CA9926854.